The following is an entry in ClinVar:

NM_006361.6(HOXB13):c.317T>G (p.Leu106Arg)

Gene: HOXB13 (homeobox B13; minus strand). Cytogenetic location: 17q21.32.
Variant type: single nucleotide variant.
Coding change: c.317T>G on transcript NM_006361.6 (MANE Select); coding-DNA position 317, T replaced by G.
Protein change: p.Leu106Arg; replaces leucine 106 with arginine.
Molecular consequence: missense variant.
Genome position (GRCh38, 1-based): chr17:48,728,277, A>C on the plus strand (T>G on the coding strand, the complement: HOXB13 is on the minus strand). VCF-style: chr17-48728277-A-C. GRCh37 (hg19) VCF-style: chr17-46805639-A-C.
Other names: short protein forms L106R.
Identifiers: ClinVar variation 823100 (VCV000823100.12), dbSNP rs771674803, ClinGen allele CA8634016.
Genomic context (GRCh38, chr17:48,728,277, plus strand): 5'-TCAGTGGGGCGGCTGGGGTACTCTTCCCCGGCCGTGGGAGTCTCCGCGGGGTACGCGGCC[A>C]GGGTGGCTGCCTGGGCACAGGGTTTCAGCGAGCTCCGGGACACTCGGCAGGAGTAGTACC-3'
Protein context (NP_006352.2, residues 96-116): SLKPCAQAAT[Leu106Arg]AAYPAETPTA

ClinVar aggregate classification (germline): Uncertain significance. Review status: criteria provided, multiple submitters, no conflicts (2 of 4 stars). 3 submissions from 3 submitters: Uncertain significance (3). Last evaluated 2025-04-14.

Conditions:
Hereditary cancer-predisposing syndrome. Also called: Hereditary Cancer Syndrome; Neoplastic Syndromes, Hereditary; Hereditary neoplastic syndrome; Tumor predisposition. Identifiers: Orphanet 140162, MedGen C0027672, MeSH D009386, MONDO:0015356.

Allele frequency attached by ClinVar (database versions not stated): ExAC 0.00001; gnomAD exomes 0.00001 and 0.00002; gnomAD 0.00003 and 0.00004; TOPMed 0.00005.
gnomAD v4.1: 7 of 1,614,058 alleles (0.00043%); highest among the groups gnomAD compares: African/African-American, 0.0093%; no homozygotes.

Submissions (3):

Labcorp Genetics (formerly Invitae), Labcorp
Classification: Uncertain significance. Last evaluated: 2025-04-14. Review status: criteria provided, single submitter. Criteria: Invitae Variant Classification Sherloc (09022015). Collection method: clinical testing. Allele origin: germline.
Comment: This sequence change replaces leucine, which is neutral and non-polar, with arginine, which is basic and polar, at codon 106 of the HOXB13 protein (p.Leu106Arg). This variant is present in population databases (rs771674803, gnomAD 0.03%). This missense change has been observed in individual(s) with prostate cancer (PMID: 34799695). ClinVar contains an entry for this variant (Variation ID: 823100). Invitae Evidence Modeling of protein sequence and biophysical properties (such as structural, functional, and spatial information, amino acid conservation, physicochemical variation, residue mobility, and thermodynamic stability) indicates that this missense variant is not expected to disrupt HOXB13 protein function with a negative predictive value of 80%. In summary, the available evidence is currently insufficient to determine the role of this variant in disease. Therefore, it has been classified as a Variant of Uncertain Significance.

Ambry Genetics
Classification: Uncertain significance for Hereditary cancer-predisposing syndrome. Last evaluated: 2024-09-06. Review status: criteria provided, single submitter. Criteria: Ambry Variant Classification Scheme 2023. Collection method: clinical testing. Allele origin: germline.
Comment: The p.L106R variant (also known as c.317T>G), located in coding exon 1 of the HOXB13 gene, results from a T to G substitution at nucleotide position 317. The leucine at codon 106 is replaced by arginine, an amino acid with dissimilar properties. This amino acid position is well conserved in available vertebrate species. In addition, this alteration is predicted to be tolerated by in silico analysis. Based on the available evidence, the clinical significance of this variant remains unclear.

GeneDx
Classification: Uncertain significance. Last evaluated: 2023-09-27. Review status: criteria provided, single submitter. Criteria: GeneDx Variant Classification Process June 2021. Collection method: clinical testing. Allele origin: germline.
Comment: Not observed at significant frequency in large population cohorts (gnomAD); In silico analysis supports that this missense variant does not alter protein structure/function; Identified in a patient with prostate cancer (Na et al., 2021); This variant is associated with the following publications: (PMID: 34799695, 28272408, 35147852)

Literature cited by the submitters: PubMed 34799695 (cited by Labcorp Genetics (formerly Invitae), Labcorp).